The following is an entry in ClinVar:

NM_003995.4(NPR2):c.2449G>A (p.Glu817Lys)

Gene: NPR2 (natriuretic peptide receptor 2; plus strand). Cytogenetic location: 9p13.3.
Variant type: single nucleotide variant.
Coding change: c.2449G>A on transcript NM_003995.4 (MANE Select); coding-DNA position 2449, G replaced by A.
Protein change: p.Glu817Lys; replaces glutamic acid 817 with lysine.
Molecular consequence: missense variant.
Genome position (GRCh38, 1-based): chr9:35,806,468, G>A. VCF-style: chr9-35806468-G-A. GRCh37 (hg19) VCF-style: chr9-35806465-G-A.
Other names: c.2458G>A, p.Glu820Lys (NM_001378923.1); short protein forms E817K, E820K.
Identifiers: ClinVar variation 4791312 (VCV004791312.1).

ClinVar aggregate classification (germline): Uncertain significance (1 of 4 stars; one submission).

Conditions:
Acromesomelic dysplasia 1, Maroteaux type (AMD1). Also called: ST. HELENA DYSPLASIA; ACROMESOMELIC DYSPLASIA 1. Identifiers: Orphanet 40, MedGen C1864356, MONDO:0011275, OMIM 602875.
Tall stature-scoliosis-macrodactyly of the great toes syndrome. Also called: Epiphyseal chondrodysplasia, miura type. Identifiers: Orphanet 329191, MedGen C4014690, MONDO:0014401, OMIM 615923.

Submission:

Labcorp Genetics (formerly Invitae), Labcorp
Classification: Uncertain significance for Tall stature-scoliosis-macrodactyly of the great toes syndrome; Acromesomelic dysplasia 1, Maroteaux type. Last evaluated: 2025-12-25. Review status: criteria provided, single submitter. Criteria: Invitae Variant Classification Sherloc (09022015). Collection method: clinical testing. Allele origin: germline.
Comment: This sequence change replaces glutamic acid, which is acidic and polar, with lysine, which is basic and polar, at codon 817 of the NPR2 protein (p.Glu817Lys). This variant is not present in population databases (gnomAD no frequency). This missense change has been observed in individual(s) with short stature (PMID: 25703509). Invitae Evidence Modeling of protein sequence and biophysical properties (such as structural, functional, and spatial information, amino acid conservation, physicochemical variation, residue mobility, and thermodynamic stability) indicates that this missense variant is not expected to disrupt NPR2 protein function with a negative predictive value of 80%. Experimental studies have shown that this missense change affects NPR2 function (PMID: 25703509). In summary, the available evidence is currently insufficient to determine the role of this variant in disease. Therefore, it has been classified as a Variant of Uncertain Significance.

Literature cited by the submitters: PubMed 25703509.